The following is an entry in ClinVar:

NM_001145715.3(KPNA7):c.156C>G (p.Ser52Arg)

Gene: KPNA7 (karyopherin subunit alpha 7; minus strand). Cytogenetic location: 7q22.1.
Variant type: single nucleotide variant.
Coding change: c.156C>G on transcript NM_001145715.3 (MANE Select); coding-DNA position 156, C replaced by G.
Protein change: p.Ser52Arg; replaces serine 52 with arginine.
Molecular consequence: missense variant.
Genome position (GRCh38, 1-based): chr7:99,203,151, G>C on the plus strand (C>G on the coding strand, the complement: KPNA7 is on the minus strand). VCF-style: chr7-99203151-G-C. GRCh37 (hg19) VCF-style: chr7-98800774-G-C.
Other names: short protein forms S52R.
Identifiers: ClinVar variation 2086510 (VCV002086510.4), dbSNP rs938787086, ClinGen allele CA368421190.
Genomic context (GRCh38, chr7:99,203,151, plus strand): 5'-ACACTACATACTGACCGCCACCCCTTTGGCTGTTTTTTCAGAAGGTGTGTCAGGGCAGAA[G>C]CTCGTGATATTCCTTCTCTTTAAGGTCTGTTCATCTTTCTTGGCCTTTCGGAGCTCCAGA-3'
Protein context (NP_001139187.1, residues 42-62): EQTLKRRNIT[Ser52Arg]FCPDTPSEKT

ClinVar aggregate classification (germline): Uncertain significance (1 of 4 stars; one submission).

gnomAD v4.1: 1 of 1,551,654 alleles (0.000064%); highest among the groups gnomAD compares: Non-Finnish European, 0.000087%; no homozygotes.

Submission:

Labcorp Genetics (formerly Invitae), Labcorp
Classification: Uncertain significance. Last evaluated: 2022-01-16. Review status: criteria provided, single submitter. Criteria: Invitae Variant Classification Sherloc (09022015). Collection method: clinical testing. Allele origin: germline.
Comment: This variant has not been reported in the literature in individuals affected with KPNA7-related conditions. This variant is not present in population databases (gnomAD no frequency). This sequence change replaces serine, which is neutral and polar, with arginine, which is basic and polar, at codon 52 of the KPNA7 protein (p.Ser52Arg). Algorithms developed to predict the effect of missense changes on protein structure and function (SIFT, PolyPhen-2, Align-GVGD) all suggest that this variant is likely to be tolerated. In summary, the available evidence is currently insufficient to determine the role of this variant in disease. Therefore, it has been classified as a Variant of Uncertain Significance.